The following is an entry in ClinVar:

NM_002979.5(SCP2):c.659C>T (p.Thr220Ile)

Gene: SCP2 (sterol carrier protein 2; plus strand). Cytogenetic location: 1p32.3.
Variant type: single nucleotide variant.
Coding change: c.659C>T on transcript NM_002979.5 (MANE Select); coding-DNA position 659, C replaced by T.
Protein change: p.Thr220Ile; replaces threonine 220 with isoleucine.
Molecular consequence: missense variant.
Genome position (GRCh38, 1-based): chr1:52,976,754, C>T. VCF-style: chr1-52976754-C-T. GRCh37 (hg19) VCF-style: chr1-53442426-C-T.
Other names: c.587C>T, p.Thr196Ile (NM_001193599.2); c.527C>T, p.Thr176Ile (NM_001193600.2, NM_001007098.3); c.416C>T, p.Thr139Ile (NM_001193617.2); c.659C>T, p.Thr220Ile (NM_001330587.2); short protein forms T176I, T220I, T139I, T196I.
Identifiers: ClinVar variation 1441515 (VCV001441515.6), dbSNP rs868502319, ClinGen allele CA340380811.
Genomic context (GRCh38, chr1:52,976,754, plus strand): 5'-TCCAAGATGAATACAGTTTAGATGAAGTGATGGCATCTAAAGAAGTTTTTGATTTTTTGA[C>T]TATCTTACAATGTTGGTAAGAAAAATATATTTTAACATTTAATGAGGGAAGTAACTGCTG-3'
Protein context (NP_002970.2, residues 210-230): MASKEVFDFL[Thr220Ile]ILQCCPTSDG

ClinVar aggregate classification (germline): Uncertain significance (1 of 4 stars; one submission).

Submission:

Labcorp Genetics (formerly Invitae), Labcorp
Classification: Uncertain significance. Last evaluated: 2023-11-17. Review status: criteria provided, single submitter. Criteria: Invitae Variant Classification Sherloc (09022015). Collection method: clinical testing. Allele origin: germline.
Comment: This sequence change replaces threonine, which is neutral and polar, with isoleucine, which is neutral and non-polar, at codon 220 of the SCP2 protein (p.Thr220Ile). This variant is not present in population databases (gnomAD no frequency). This variant has not been reported in the literature in individuals affected with SCP2-related conditions. ClinVar contains an entry for this variant (Variation ID: 1441515). An algorithm developed to predict the effect of missense changes on protein structure and function (PolyPhen-2) suggests that this variant is likely to be disruptive. In summary, the available evidence is currently insufficient to determine the role of this variant in disease. Therefore, it has been classified as a Variant of Uncertain Significance.